The following is an entry in ClinVar:

ClinVar aggregate classification (germline): Uncertain significance (1 of 4 stars; one submission).

Allele frequency attached by ClinVar (database versions not stated): gnomAD exomes below 0.00001; TOPMed below 0.00001; gnomAD 0.00001; ExAC 0.00002; 1000 Genomes Project 30x 0.00016.
gnomAD v4.1: 9 of 1,612,188 alleles (0.00056%); highest among the groups gnomAD compares: Admixed American, 0.0033%; no homozygotes.

Submission:

Labcorp Genetics (formerly Invitae), Labcorp
Classification: Uncertain significance. Last evaluated: 2023-11-27. Review status: criteria provided, single submitter. Criteria: Invitae Variant Classification Sherloc (09022015). Collection method: clinical testing. Allele origin: germline.
Comment: This sequence change replaces valine, which is neutral and non-polar, with isoleucine, which is neutral and non-polar, at codon 164 of the GNA11 protein (p.Val164Ile). This variant is present in population databases (rs775624350, gnomAD 0.007%). This variant has not been reported in the literature in individuals affected with GNA11-related conditions. ClinVar contains an entry for this variant (Variation ID: 2416391). An algorithm developed to predict the effect of missense changes on protein structure and function (PolyPhen-2) suggests that this variant is likely to be tolerated. In summary, the available evidence is currently insufficient to determine the role of this variant in disease. Therefore, it has been classified as a Variant of Uncertain Significance.

NM_002067.5(GNA11):c.490G>A (p.Val164Ile)

Gene: GNA11 (G protein subunit alpha 11; plus strand). Cytogenetic location: 19p13.3.
Variant type: single nucleotide variant.
Coding change: c.490G>A on transcript NM_002067.5 (MANE Select); coding-DNA position 490, G replaced by A.
Protein change: p.Val164Ile; replaces valine 164 with isoleucine.
Molecular consequence: missense variant.
Genome position (GRCh38, 1-based): chr19:3,114,957, G>A. VCF-style: chr19-3114957-G-A. GRCh37 (hg19) VCF-style: chr19-3114955-G-A.
Other names: short protein forms V164I.
Identifiers: ClinVar variation 2416391 (VCV002416391.6), dbSNP rs775624350, ClinGen allele CA9074905.